The following is an entry in ClinVar:

NM_000052.7(ATP7A):c.499C>G (p.Gln167Glu)

Gene: ATP7A (ATPase copper transporting alpha; plus strand). Cytogenetic location: Xq21.1.
Variant type: single nucleotide variant.
Coding change: c.499C>G on transcript NM_000052.7 (MANE Select); coding-DNA position 499, C replaced by G.
Protein change: p.Gln167Glu; replaces glutamine 167 with glutamic acid.
Molecular consequence: missense variant.
Genome position (GRCh38, 1-based): chrX:77,988,620, C>G. VCF-style: chrX-77988620-C-G. GRCh37 (hg19) VCF-style: chrX-77244116-C-G.
Other names: c.499C>G, p.Gln167Glu (NM_001282224.2); short protein forms Q167E.
Identifiers: ClinVar variation 1744641 (VCV001744641.2), dbSNP rs72554635, ClinGen allele CA413600133.

ClinVar aggregate classification (germline): Uncertain significance (1 of 4 stars; one submission).

Conditions:
Inborn genetic diseases. Identifiers: MedGen C0950123, MeSH D030342.

Submission:

Ambry Genetics
Classification: Uncertain significance for Inborn genetic diseases. Last evaluated: 2021-07-13. Review status: criteria provided, single submitter. Criteria: Ambry Variant Classification Scheme 2023. Collection method: clinical testing. Allele origin: germline.
Comment: The p.Q167E variant (also known as c.499C>G), located in coding exon 2 of the ATP7A gene, results from a C to G substitution at nucleotide position 499. The glutamine at codon 167 is replaced by glutamic acid, an amino acid with highly similar properties. This amino acid position is conserved. In addition, this alteration is predicted to be tolerated by in silico analysis. Since supporting evidence is limited at this time, the clinical significance of this alteration remains unclear.